The following is an entry in ClinVar:

NM_000453.3(SLC5A5):c.1021G>A (p.Gly341Arg)

Gene: SLC5A5 (solute carrier family 5 member 5; plus strand). Cytogenetic location: 19p13.11.
Variant type: single nucleotide variant.
Coding change: c.1021G>A on transcript NM_000453.3 (MANE Select); coding-DNA position 1021, G replaced by A.
Protein change: p.Gly341Arg; replaces glycine 341 with arginine.
Molecular consequence: missense variant.
Genome position (GRCh38, 1-based): chr19:17,880,916, G>A. VCF-style: chr19-17880916-G-A. GRCh37 (hg19) VCF-style: chr19-17991725-G-A.
Other names: short protein forms G341R.
Identifiers: ClinVar variation 2999134 (VCV002999134.3), dbSNP rs1175129581, ClinGen allele CA404765932.

ClinVar aggregate classification (germline): Likely pathogenic (1 of 4 stars; one submission).

Allele frequency attached by ClinVar (database versions not stated): gnomAD 0.00001; TOPMed below 0.00001.
gnomAD v4.1: 15 of 1,613,954 alleles (0.00093%); highest among the groups gnomAD compares: East Asian, 0.0022%; no homozygotes.

Submission:

Labcorp Genetics (formerly Invitae), Labcorp
Classification: Likely pathogenic. Last evaluated: 2023-09-08. Review status: criteria provided, single submitter. Criteria: Invitae Variant Classification Sherloc (09022015). Collection method: clinical testing. Allele origin: germline.
Comment: In summary, the currently available evidence indicates that the variant is pathogenic, but additional data are needed to prove that conclusively. Therefore, this variant has been classified as Likely Pathogenic. Advanced modeling of protein sequence and biophysical properties (such as structural, functional, and spatial information, amino acid conservation, physicochemical variation, residue mobility, and thermodynamic stability) performed at Invitae indicates that this missense variant is expected to disrupt SLC5A5 protein function. This missense change has been observed in individual(s) with SLC5A5-related conditions (PMID: 35438852). In at least one individual the data is consistent with being in trans (on the opposite chromosome) from a pathogenic variant. It has also been observed to segregate with disease in related individuals. This variant is not present in population databases (gnomAD no frequency). This sequence change replaces glycine, which is neutral and non-polar, with arginine, which is basic and polar, at codon 341 of the SLC5A5 protein (p.Gly341Arg).

Literature cited by the submitters: PubMed 35438852.